The following is an entry in ClinVar:

ClinVar aggregate classification (germline): Uncertain significance (1 of 4 stars; one submission).

Conditions:
ATP11A-related disorder. Also called: ATP11A-related condition.

Allele frequency attached by ClinVar (database versions not stated): gnomAD exomes below 0.00001; TOPMed below 0.00001; gnomAD 0.00001.
gnomAD v4.1: 4 of 1,614,062 alleles (0.00025%); highest among the groups gnomAD compares: Non-Finnish European, 0.00025%; no homozygotes.

Submission:

PreventionGenetics, part of Exact Sciences
Classification: Uncertain significance for ATP11A-related condition. Last evaluated: 2023-01-27. Review status: criteria provided, single submitter. Criteria: ACMG Guidelines, 2015. Collection method: clinical testing. Allele origin: germline.
Comment: The ATP11A c.1850T>C variant is predicted to result in the amino acid substitution p.Ile617Thr. To our knowledge, this variant has not been reported in the literature or in a large population database, indicating this variant is rare. At this time, the clinical significance of this variant is uncertain due to the absence of conclusive functional and genetic evidence.

NM_015205.3(ATP11A):c.1850T>C (p.Ile617Thr)

Gene: ATP11A (ATPase phospholipid transporting 11A; plus strand). Cytogenetic location: 13q34.
Variant type: single nucleotide variant.
Coding change: c.1850T>C on transcript NM_015205.3 (MANE Select); coding-DNA position 1850, T replaced by C.
Protein change: p.Ile617Thr; replaces isoleucine 617 with threonine.
Molecular consequence: missense variant.
Genome position (GRCh38, 1-based): chr13:112,851,077, T>C. VCF-style: chr13-112851077-T-C. GRCh37 (hg19) VCF-style: chr13-113505391-T-C.
Other names: c.1850T>C, p.Ile617Thr (NM_001405661.1, NM_001405662.1, NM_001405663.1 and 1 more transcripts); short protein forms I617T.
Identifiers: ClinVar variation 2630408 (VCV002630408.1), dbSNP rs1289675234, ClinGen allele CA388763609.
Genomic context (GRCh38, chr13:112,851,077, plus strand): 5'-CGCTGCATTGTGTTCTGCAGGAGGGGCTCCGAACTTTGTGTGTTGCTTATAAAAGGCTGA[T>C]CCAAGAAGAATATGAAGGCATTTGTAAGCTGCTGCAGGCTGCCAAAGTGGCCCTTCAAGA-3'
Protein context (NP_056020.2, residues 607-627): RTLCVAYKRL[Ile617Thr]QEEYEGICKL